The following is an entry in ClinVar:

ClinVar aggregate classification (germline): Uncertain significance (1 of 4 stars; one submission).

Allele frequency attached by ClinVar (database versions not stated): gnomAD exomes below 0.00001.
gnomAD v4.1: 3 of 1,614,134 alleles (0.00019%); highest among the groups gnomAD compares: South Asian, 0.0011%; no homozygotes.

Submission:

Labcorp Genetics (formerly Invitae), Labcorp
Classification: Uncertain significance. Last evaluated: 2023-01-14. Review status: criteria provided, single submitter. Criteria: Invitae Variant Classification Sherloc (09022015). Collection method: clinical testing. Allele origin: germline.
Comment: In summary, the available evidence is currently insufficient to determine the role of this variant in disease. Therefore, it has been classified as a Variant of Uncertain Significance. Advanced modeling of protein sequence and biophysical properties (such as structural, functional, and spatial information, amino acid conservation, physicochemical variation, residue mobility, and thermodynamic stability) performed at Invitae indicates that this missense variant is not expected to disrupt CETP protein function. This variant has not been reported in the literature in individuals affected with CETP-related conditions. This variant is not present in population databases (gnomAD no frequency). This sequence change replaces tryptophan, which is neutral and slightly polar, with arginine, which is basic and polar, at codon 316 of the CETP protein (p.Trp316Arg).

NM_000078.3(CETP):c.946T>C (p.Trp316Arg)

Gene: CETP (cholesteryl ester transfer protein; plus strand). Cytogenetic location: 16q13.
Variant type: single nucleotide variant.
Coding change: c.946T>C on transcript NM_000078.3 (MANE Select); coding-DNA position 946, T replaced by C.
Protein change: p.Trp316Arg; replaces tryptophan 316 with arginine.
Molecular consequence: missense variant.
Genome position (GRCh38, 1-based): chr16:56,975,116, T>C. VCF-style: chr16-56975116-T-C. GRCh37 (hg19) VCF-style: chr16-57009028-T-C.
Other names: c.766T>C, p.Trp256Arg (NM_001286085.2); short protein forms W256R, W316R.
Identifiers: ClinVar variation 2791350 (VCV002791350.3), dbSNP rs2543653585, ClinGen allele CA396004104.